The following is an entry in ClinVar:

NM_005159.5(ACTC1):c.817T>A (p.Ser273Thr)

Genes: ACTC1 (actin alpha cardiac muscle 1; minus strand), GJD2-DT (GJD2 divergent transcript; plus strand). Cytogenetic location: 15q14.
Variant type: single nucleotide variant.
Coding change: c.817T>A on transcript NM_005159.5 (MANE Select); coding-DNA position 817, T replaced by A.
Protein change: p.Ser273Thr; replaces serine 273 with threonine.
Molecular consequence: missense variant.
Genome position (GRCh38, 1-based): chr15:34,791,287, A>T on the plus strand (T>A on the coding strand, the complement: ACTC1 is on the minus strand). VCF-style: chr15-34791287-A-T. GRCh37 (hg19) VCF-style: chr15-35083488-A-T.
Other names: c.817T>A, p.Ser273Thr (NM_001406482.1, NM_001406483.1); c.682T>A, p.Ser228Thr (NM_001406484.1); c.376T>A, p.Ser126Thr (NM_001406485.1); short protein forms S126T, S228T, S273T.
Identifiers: ClinVar variation 3364889 (VCV003364889.1).

ClinVar aggregate classification (germline): Uncertain significance (1 of 4 stars; one submission).

Submission:

GeneDx
Classification: Uncertain significance. Last evaluated: 2023-11-25. Review status: criteria provided, single submitter. Criteria: GeneDx Variant Classification Process June 2021. Collection method: clinical testing. Allele origin: germline. Affected: yes.
Comment: Not observed at significant frequency in large population cohorts (gnomAD); In silico analysis supports that this missense variant does not alter protein structure/function; Has not been previously published as pathogenic or benign to our knowledge